The following is an entry in ClinVar:

ClinVar aggregate classification (germline): Uncertain significance (1 of 4 stars; one submission).

Conditions:
Breast-ovarian cancer, familial, susceptibility to, 4. Identifiers: Orphanet 145, MedGen C3280345, MONDO:0013669, OMIM 614291.

Submission:

Labcorp Genetics (formerly Invitae), Labcorp
Classification: Uncertain significance for Breast-ovarian cancer, familial, susceptibility to, 4. Last evaluated: 2022-04-08. Review status: criteria provided, single submitter. Criteria: Invitae Variant Classification Sherloc (09022015). Collection method: clinical testing. Allele origin: germline.
Comment: This sequence change falls in intron 1 of the RAD51D gene. It does not directly change the encoded amino acid sequence of the RAD51D protein. It affects a nucleotide within the consensus splice site. This variant is not present in population databases (gnomAD no frequency). In summary, the available evidence is currently insufficient to determine the role of this variant in disease. Therefore, it has been classified as a Variant of Uncertain Significance. Variants that disrupt the consensus splice site are a relatively common cause of aberrant splicing (PMID: 17576681, 9536098). Algorithms developed to predict the effect of sequence changes on RNA splicing suggest that this variant is not likely to affect RNA splicing. This variant has not been reported in the literature in individuals affected with RAD51D-related conditions.

Literature cited by the submitters: PubMed 17576681; PubMed 9536098.

NM_002878.4(RAD51D):c.82+6C>T

Genes: RAD51D (RAD51 paralog D; minus strand), RAD51L3-RFFL (RAD51L3-RFFL readthrough; minus strand). Cytogenetic location: 17q12.
Variant type: single nucleotide variant.
Coding change: c.82+6C>T on transcript NM_002878.4 (MANE Select); 6 bases into the intron after coding-DNA position 82, C replaced by T.
Molecular consequence: intron variant.
Genome position (GRCh38, 1-based): chr17:35,119,526, G>A on the plus strand (C>T on the coding strand, the complement: RAD51D is on the minus strand). VCF-style: chr17-35119526-G-A. GRCh37 (hg19) VCF-style: chr17-33446545-G-A.
Other names: c.82+6C>T (NM_133629.3, NM_001142571.2).
Identifiers: ClinVar variation 2123102 (VCV002123102.4), dbSNP rs2142479994, ClinGen allele CA2580093279.